The following is an entry in ClinVar:

ClinVar aggregate classification (germline): Uncertain significance (1 of 4 stars; one submission).

Conditions:
Glycine encephalopathy. Also called: Nonketotic hyperglycinemia; Non-ketotic hyperglycinemia. Identifiers: Orphanet 407, MedGen C0751748, MONDO:0011612, HP:0008288.

Submission:

Labcorp Genetics (formerly Invitae), Labcorp
Classification: Uncertain significance for Glycine encephalopathy. Last evaluated: 2022-07-06. Review status: criteria provided, single submitter. Criteria: Invitae Variant Classification Sherloc (09022015). Collection method: clinical testing. Allele origin: germline.
Comment: This variant results in a copy number gain of the genomic region encompassing exon(s) 1-2 of the GLDC gene. This region includes the initiator codon of the gene. This copy number gain extends beyond the assayed region for this gene and therefore may encompass additional genes. As the precise location of this event is unknown, it may be in tandem or it may be located elsewhere in the genome. This variant has not been reported in the literature in individuals affected with GLDC-related conditions. In summary, the available evidence is currently insufficient to determine the role of this variant in disease. Therefore, it has been classified as a Variant of Uncertain Significance.

NC_000009.11:g.(?_6644594)_(6645499_?)dup

Gene: GLDC (glycine decarboxylase; minus strand). Cytogenetic location: 9p24.1.
Variant type: Duplication.
Identifiers: ClinVar variation 2422522 (VCV002422522.6).